The following is an entry in ClinVar:

ClinVar aggregate classification (germline): Likely benign. Review status: criteria provided, multiple submitters, no conflicts (2 of 4 stars). 3 submissions from 3 submitters: Likely benign (3). Last evaluated 2025-10-01.

Conditions:
NIK deficiency. Also called: Primary immunodeficiency with multifaceted aberrant lymphoid immunity. Identifiers: Orphanet 447731, MedGen C5680065, MONDO:0018642.

Allele frequency attached by ClinVar (database versions not stated): gnomAD 0.00001; gnomAD exomes 0.00001 and 0.00003; TOPMed 0.00001; ExAC 0.00005.
gnomAD v4.1: 21 of 1,604,148 alleles (0.0013%); highest among the groups gnomAD compares: Middle Eastern, 0.049%; no homozygotes.

Submissions (3):

Labcorp Genetics (formerly Invitae), Labcorp
Classification: Likely benign for NIK deficiency. Last evaluated: 2025-10-01. Review status: criteria provided, single submitter. Criteria: Invitae Variant Classification Sherloc (09022015). Collection method: clinical testing. Allele origin: germline.

Blueprint Genetics
Classification: Likely benign. Last evaluated: 2024-09-24. Review status: criteria provided, single submitter. Criteria: ACMG Guidelines, 2015. Collection method: clinical testing. Allele origin: germline.

CeGaT Center for Human Genetics Tuebingen
Classification: Likely benign. Last evaluated: 2023-02-01. Review status: criteria provided, single submitter. Criteria: CeGaT Center For Human Genetics Tuebingen Variant Classification Criteria Version 2. Collection method: clinical testing. Allele origin: germline. Affected: yes. Observed: 1 variant allele.
Comment: MAP3K14: BP4, BP7

NM_003954.5(MAP3K14):c.1098A>G (p.Arg366=)

Gene: MAP3K14 (mitogen-activated protein kinase kinase kinase 14; minus strand). Cytogenetic location: 17q21.31.
Variant type: single nucleotide variant.
Coding change: c.1098A>G on transcript NM_003954.5 (MANE Select); coding-DNA position 1098, A replaced by G.
Protein change: p.Arg366=; no amino-acid change (arginine 366 retained).
Molecular consequence: synonymous variant.
Genome position (GRCh38, 1-based): chr17:45,286,485, T>C on the plus strand (A>G on the coding strand, the complement: MAP3K14 is on the minus strand). VCF-style: chr17-45286485-T-C. GRCh37 (hg19) VCF-style: chr17-43363852-T-C.
Identifiers: ClinVar variation 844949 (VCV000844949.33), dbSNP rs772065458, ClinGen allele CA8614224.